The following is an entry in ClinVar:

ClinVar aggregate classification (germline): Likely pathogenic (1 of 4 stars; one submission).

Conditions:
Acute infantile liver failure due to synthesis defect of mtDNA-encoded proteins. Also called: Liver failure acute infantile; LIVER FAILURE, INFANTILE, TRANSIENT; TRMU Deficiency. Identifiers: Orphanet 217371, MedGen C3278664, MONDO:0013111, OMIM 613070.

Submission:

Natera, Inc.
Classification: Likely pathogenic for Acute infantile liver failure due to synthesis defect of mtDNA-encoded proteins. Last evaluated: 2024-04-11. Review status: criteria provided, single submitter. Criteria: Natera Variant Classification Schema (03/2026). Collection method: clinical testing. Allele origin: germline.
Comment: The c.1095delA variant in TRMU is a frameshift variant predicted to shift the reading frame beginning at codon 366 and leads to a stop codon 52 codons downstream. This variant is expected to result in nonsense mediated decay, truncation, or a dysfunctional protein product. This variant is rare in the general population with a frequency below the threshold expected for the associated phenotype(s). Given the available evidence, this variant is classified as Likely Pathogenic.

NM_018006.5(TRMU):c.1095del (p.Gly366fs)

Gene: TRMU (tRNA mitochondrial 2-thiouridylase; plus strand). Cytogenetic location: 22q13.31.
Variant type: Deletion.
Coding change: c.1095del on transcript NM_018006.5 (MANE Select); coding-DNA position 1095, one base deleted (A; older notation c.1095delA).
Protein change: p.Gly366fs; shifts the reading frame from glycine 366.
Molecular consequence: frameshift variant. On other transcripts: non-coding transcript variant (2), intron variant (2).
Genome position (GRCh38, 1-based): chr22:46,356,066, A deleted. VCF-style (leftmost placement, unchanged base first): chr22-46356065-CA-C. GRCh37 (hg19) VCF-style: chr22-46751962-CA-C.
Other names: c.675del, p.Gly226fs (NM_001282783.2); c.1018+478del (NM_001282785.2); c.598+478del (NM_001282784.2); c.753del, p.Gly252fs (NM_001282782.2); short protein forms G226fs, G252fs, G366fs.
Identifiers: ClinVar variation 4815990 (VCV004815990.1).
Genomic context (GRCh38, chr22:46,356,065, plus strand): 5'-CCCTCAATCAAGATGGCACCGTGTGGGTGACAGCTGTGCAGGCTGTGCGTGCCCTTGCCA[CA>C]GGACAGGTGCGTGGGGTGTGGGGGTGAGCCCGGGGAGGACTGTACTGCTCTGCACCCTGC-3'